The following is an entry in ClinVar:

ClinVar aggregate classification (germline): Uncertain significance (1 of 4 stars; one submission).

Allele frequency attached by ClinVar (database versions not stated): gnomAD exomes below 0.00001.

Submission:

ARUP Laboratories, Molecular Genetics and Genomics, ARUP Laboratories
Classification: Uncertain significance. Last evaluated: 2017-09-16. Review status: criteria provided, single submitter. Criteria: ARUP Molecular Germline Variant Investigation Process. Collection method: clinical testing. Allele origin: germline.
Comment: The p.Leu12Val variant has not been reported in the medical literature, is not listed in gene-specific variant databases, nor has it been previously identified in our laboratory. It is also absent from general population databases such as 1000 Genomes, the NHLBI GO Exome Sequencing Project (ESP), and the Genome Aggregation Database (gnomAD) browser. The leucine at codon 12 is weakly conserved considering 11 species (Alamut software v2.10.0), and computational analyses suggest that this variant does not affect the structure/function of the FXN protein (SIFT: tolerated, MutationTaster: polymorphism). However, based on the available information, the clinical significance of the p.Leu12Val variant cannot be determined with certainty.

NM_000144.5(FXN):c.34C>G (p.Leu12Val)

Genes: FXN (frataxin; plus strand), LOC130001862 (ATAC-STARR-seq lymphoblastoid silent region 19931; plus strand). Cytogenetic location: 9q21.11.
Variant type: single nucleotide variant.
Coding change: c.34C>G on transcript NM_000144.5 (MANE Select); coding-DNA position 34, C replaced by G.
Protein change: p.Leu12Val; replaces leucine 12 with valine.
Molecular consequence: missense variant.
Genome position (GRCh38, 1-based): chr9:69,035,816, C>G. VCF-style: chr9-69035816-C-G. GRCh37 (hg19) VCF-style: chr9-71650732-C-G.
Other names: c.34C>G, p.Leu12Val (NM_181425.3); short protein forms L12V.
Identifiers: ClinVar variation 618139 (VCV000618139.8), dbSNP rs1168839252, ClinGen allele CA373527297.